The following is an entry in ClinVar:

NM_000550.3(TYRP1):c.1412G>A (p.Arg471Gln)

Genes: LURAP1L-AS1 (LURAP1L antisense RNA 1; minus strand), TYRP1 (tyrosinase related protein 1; plus strand). Cytogenetic location: 9p23.
Variant type: single nucleotide variant.
Coding change: c.1412G>A on transcript NM_000550.3 (MANE Select); coding-DNA position 1412, G replaced by A.
Protein change: p.Arg471Gln; replaces arginine 471 with glutamine.
Molecular consequence: missense variant.
Genome position (GRCh38, 1-based): chr9:12,708,980, G>A. VCF-style: chr9-12708980-G-A. GRCh37 (hg19) VCF-style: chr9-12708980-G-A.
Other names: short protein forms R471Q.
Identifiers: ClinVar variation 1520393 (VCV001520393.5), dbSNP rs772938158, ClinGen allele CA4985581.

ClinVar aggregate classification (germline): Uncertain significance (1 of 4 stars; one submission).

Allele frequency attached by ClinVar (database versions not stated): gnomAD exomes 0.00002 and 0.00003; TOPMed 0.00002; ExAC 0.00004.
gnomAD v4.1: 25 of 1,611,852 alleles (0.0016%); highest among the groups gnomAD compares: Middle Eastern, 0.05%; no homozygotes.

Submission:

Labcorp Genetics (formerly Invitae), Labcorp
Classification: Uncertain significance. Last evaluated: 2022-02-05. Review status: criteria provided, single submitter. Criteria: Invitae Variant Classification Sherloc (09022015). Collection method: clinical testing. Allele origin: germline.
Comment: This sequence change replaces arginine, which is basic and polar, with glutamine, which is neutral and polar, at codon 471 of the TYRP1 protein (p.Arg471Gln). This variant is present in population databases (rs772938158, gnomAD 0.02%). This variant has not been reported in the literature in individuals affected with TYRP1-related conditions. Algorithms developed to predict the effect of missense changes on protein structure and function output the following: SIFT: "Tolerated"; PolyPhen-2: "Benign"; Align-GVGD: "Class C0". The glutamine amino acid residue is found in multiple mammalian species, which suggests that this missense change does not adversely affect protein function. Algorithms developed to predict the effect of sequence changes on RNA splicing suggest that this variant may create or strengthen a splice site. In summary, the available evidence is currently insufficient to determine the role of this variant in disease. Therefore, it has been classified as a Variant of Uncertain Significance.